The following is an entry in ClinVar:

ClinVar aggregate classification (germline): Uncertain significance (1 of 4 stars; one submission).

gnomAD v4.1: 3 of 1,614,024 alleles (0.00019%); highest among the groups gnomAD compares: Admixed American, 0.0033%; no homozygotes.

Submission:

Labcorp Genetics (formerly Invitae), Labcorp
Classification: Uncertain significance. Last evaluated: 2023-09-09. Review status: criteria provided, single submitter. Criteria: Invitae Variant Classification Sherloc (09022015). Collection method: clinical testing. Allele origin: germline.
Comment: An algorithm developed to predict the effect of missense changes on protein structure and function (PolyPhen-2) suggests that this variant is likely to be disruptive. In summary, the available evidence is currently insufficient to determine the role of this variant in disease. Therefore, it has been classified as a Variant of Uncertain Significance. This variant has not been reported in the literature in individuals affected with ADGRE2-related conditions. This variant is present in population databases (no rsID available, gnomAD 0.003%). This sequence change replaces tyrosine, which is neutral and polar, with asparagine, which is neutral and polar, at codon 92 of the ADGRE2 protein (p.Tyr92Asn).

NM_013447.4(ADGRE2):c.274T>A (p.Tyr92Asn)

Gene: ADGRE2 (adhesion G protein-coupled receptor E2; minus strand). Cytogenetic location: 19p13.12.
Variant type: single nucleotide variant.
Coding change: c.274T>A on transcript NM_013447.4 (MANE Select); coding-DNA position 274, T replaced by A.
Protein change: p.Tyr92Asn; replaces tyrosine 92 with asparagine.
Molecular consequence: missense variant.
Genome position (GRCh38, 1-based): chr19:14,772,423, A>T on the plus strand (T>A on the coding strand, the complement: ADGRE2 is on the minus strand). VCF-style: chr19-14772423-A-T. GRCh37 (hg19) VCF-style: chr19-14883235-A-T.
Other names: c.274T>A, p.Tyr92Asn (NM_001271052.1, NM_152916.2, NM_152917.2); short protein forms Y92N.
Identifiers: ClinVar variation 3019438 (VCV003019438.3), dbSNP rs1486426692, ClinGen allele CA404464067.